The following is an entry in ClinVar:

NM_003119.4(SPG7):c.1055G>C (p.Gly352Ala)

Gene: SPG7 (SPG7 matrix AAA peptidase subunit, paraplegin; plus strand). Cytogenetic location: 16q24.3.
Variant type: single nucleotide variant.
Coding change: c.1055G>C on transcript NM_003119.4 (MANE Select); coding-DNA position 1055, G replaced by C.
Protein change: p.Gly352Ala; replaces glycine 352 with alanine.
Molecular consequence: missense variant.
Genome position (GRCh38, 1-based): chr16:89,531,971, G>C. VCF-style: chr16-89531971-G-C. GRCh37 (hg19) VCF-style: chr16-89598379-G-C.
Other names: c.1055G>C, p.Gly352Ala (NM_001363850.1, NM_199367.3); c.1055G>C (NM_003119.2); short protein forms G352A.
Identifiers: ClinVar variation 566806 (VCV000566806.10), dbSNP rs1567914095, ClinGen allele CA397420232.

ClinVar aggregate classification (germline): Uncertain significance. Review status: criteria provided, multiple submitters, no conflicts (2 of 4 stars). 2 submissions from 2 submitters: Uncertain significance (2). Last evaluated 2024-01-24.

Conditions:
Hereditary spastic paraplegia 7 (SPG7). Also called: SPG7-related neurologic disorder; SPASTIC PARAPLEGIA 7, AUTOSOMAL RECESSIVE, WITH OR WITHOUT CEREBELLAR ATAXIA; Spastic paraplegia 7; Hereditary spastic paraplegia Paraplegin type; Autosomal recessive spastic paraplegia type 7. Identifiers: Orphanet 99013, MedGen C1846564, MONDO:0011803, OMIM 607259.

Allele frequency attached by ClinVar (database versions not stated): TOPMed below 0.00001; gnomAD 0.00001; gnomAD exomes 0.00001.
gnomAD v4.1: 4 of 1,613,840 alleles (0.00025%); highest among the groups gnomAD compares: Non-Finnish European, 0.00034%; no homozygotes.

Submissions (2):

GeneDx
Classification: Uncertain significance. Last evaluated: 2024-01-24. Review status: criteria provided, single submitter. Criteria: GeneDx Variant Classification Process June 2021. Collection method: clinical testing. Allele origin: germline. Affected: yes.
Comment: Not observed at significant frequency in large population cohorts (gnomAD); In silico analysis supports that this missense variant has a deleterious effect on protein structure/function; Has not been previously published as pathogenic or benign to our knowledge; This variant is associated with the following publications: (PMID: 22571692)

Labcorp Genetics (formerly Invitae), Labcorp
Classification: Uncertain significance for Hereditary spastic paraplegia 7. Last evaluated: 2023-11-27. Review status: criteria provided, single submitter. Criteria: Invitae Variant Classification Sherloc (09022015). Collection method: clinical testing. Allele origin: germline.
Comment: This sequence change replaces glycine, which is neutral and non-polar, with alanine, which is neutral and non-polar, at codon 352 of the SPG7 protein (p.Gly352Ala). This variant is not present in population databases (gnomAD no frequency). This variant has not been reported in the literature in individuals affected with SPG7-related conditions. ClinVar contains an entry for this variant (Variation ID: 566806). Advanced modeling of protein sequence and biophysical properties (such as structural, functional, and spatial information, amino acid conservation, physicochemical variation, residue mobility, and thermodynamic stability) performed at Invitae indicates that this missense variant is expected to disrupt SPG7 protein function with a positive predictive value of 80%. In summary, the available evidence is currently insufficient to determine the role of this variant in disease. Therefore, it has been classified as a Variant of Uncertain Significance.